The following is an entry in ClinVar:

NC_012920.1(MT-ND5):m.13820T>C

Gene: MT-ND5 (mitochondrially encoded NADH dehydrogenase 5; plus strand).
Variant type: single nucleotide variant.
Genome position: chrM-13820-T-C.
Identifiers: ClinVar variation 693618 (VCV000693618.2), dbSNP rs1603224368, ClinGen allele CA414819659.

ClinVar aggregate classification (germline): Benign/Likely benign. Review status: criteria provided, multiple submitters, no conflicts (2 of 4 stars). 2 submissions from 2 submitters: Benign (1); Likely benign (1). Last evaluated 2025-02-16.

Conditions:
Leigh syndrome (NULS). Also called: Leigh's necrotizing encephalopathy; Leigh's disease; Leigh's syndrome; LEIGH SYNDROME, NUCLEAR; Leigh Syndrome (mtDNA deletion); Leigh Disease. Identifiers: Orphanet 506, MedGen C2931891, MONDO:0009723, OMIM 256000.

Submissions (2):

Laboratory of Genetics, Children's Clinical University Hospital Latvia
Classification: Likely benign. Last evaluated: 2025-02-16. Review status: criteria provided, single submitter. Criteria: ACMG Guidelines, 2015. Collection method: clinical testing. Allele origin: germline. Affected: yes.

Wong Mito Lab, Molecular and Human Genetics, Baylor College of Medicine
Classification: Benign for Leigh syndrome. Last evaluated: 2019-10-17. Review status: criteria provided, single submitter. Criteria: Modified ACMG Guidelines (Unpublished). Collection method: clinical testing. Allele origin: germline.
Comment: The NC_012920.1:m.13820T>C (YP_003024036.1:p.Phe495Ser) variant in MTND5 gene is interpretated to be a Benign variant based on the modified ACMG guidelines (unpublished). This variant meets the following evidence codes: BS1, BS2, BP4